The following is an entry in ClinVar:

ClinVar aggregate classification (germline): Benign/Likely benign. Review status: criteria provided, multiple submitters, no conflicts (2 of 4 stars). 2 submissions from 2 submitters: Benign (1); Likely benign (1). Last evaluated 2021-05-13.

Conditions:
Danon disease. Also called: ANTOPOL DISEASE; PSEUDOGLYCOGENOSIS II; GSD IIb; LYSOSOMAL GLYCOGEN STORAGE DISEASE WITHOUT ACID MALTASE DEFICIENCY; Glycogen Storage Disease Type IIb. Identifiers: Orphanet 34587, MedGen C0878677, MONDO:0010281, OMIM 300257.

Allele frequency attached by ClinVar (database versions not stated): gnomAD 0.00606 and 0.00648; 1000 Genomes Project 0.00662; TOPMed 0.00706; 1000 Genomes Project 30x 0.00812.

Submissions (2):

GeneDx
Classification: Likely benign. Last evaluated: 2021-05-13. Review status: criteria provided, single submitter. Criteria: GeneDx Variant Classification Process June 2021. Collection method: clinical testing. Allele origin: germline. Affected: yes.

Illumina Laboratory Services, Illumina
Classification: Benign for Danon disease. Last evaluated: 2018-01-13. Review status: criteria provided, single submitter. Criteria: ICSL Variant Classification Criteria 13 December 2019. Collection method: clinical testing. Allele origin: germline.
Comment: This variant was observed in the ICSL laboratory as part of a predisposition screen in an ostensibly healthy population. It had not been previously curated by ICSL or reported in the Human Gene Mutation Database (HGMD: prior to June 1st, 2018), and was therefore a candidate for classification through an automated scoring system. Utilizing variant allele frequency, disease prevalence and penetrance estimates, and inheritance mode, an automated score was calculated to assess if this variant is too frequent to cause the disease. Based on the score and internal cut-off values, a variant classified as benign is not then subjected to further curation. The score for this variant resulted in a classification of benign for this disease.

NM_002294.3(LAMP2):c.*3459G>T

Gene: LAMP2 (lysosome associated membrane protein 2; minus strand). Cytogenetic location: Xq24.
Variant type: single nucleotide variant.
Coding change: c.*3459G>T on transcript NM_002294.3 (MANE Select); 3459 bases downstream of the stop codon, G replaced by T.
Molecular consequence: 3 prime UTR variant.
Genome position (GRCh38, 1-based): chrX:120,427,864, C>A on the plus strand (G>T on the coding strand, the complement: LAMP2 is on the minus strand). VCF-style: chrX-120427864-C-A. GRCh37 (hg19) VCF-style: chrX-119561719-C-A.
Other names: c.*620G>T (NM_001122606.1).
Identifiers: ClinVar variation 914577 (VCV000914577.5), dbSNP rs185990694, ClinGen allele CA335012112.
Genomic context (GRCh38, chrX:120,427,864, plus strand): 5'-TTCAGTATAAATGTCAAGTCTGAGATAATCAGTATATTCCAAACTCTAGAACAACAACAA[C>A]AAAAAAAGAAATCTCCTTGTTAAAATATAGTAGCTATTAACAGTAATGAAGAAGACAGCC-3'